The following is an entry in ClinVar:

ClinVar aggregate classification (germline): Likely pathogenic (1 of 4 stars; one submission).

Conditions:
DICER1-related tumor predisposition. Also called: DICER1-related pleuropulmonary blastoma cancer predisposition syndrome; DICER1 syndrome. Identifiers: Orphanet 284343, MedGen C3839822, MONDO:0100216.

Submission:

Labcorp Genetics (formerly Invitae), Labcorp
Classification: Likely pathogenic for DICER1-related tumor predisposition. Last evaluated: 2024-07-30. Review status: criteria provided, single submitter. Criteria: Invitae Variant Classification Sherloc (09022015). Collection method: clinical testing. Allele origin: germline.
Comment: This sequence change affects an acceptor splice site in intron 5 of the DICER1 gene. It is expected to disrupt RNA splicing. Variants that disrupt the donor or acceptor splice site typically lead to a loss of protein function (PMID: 16199547), and loss-of-function variants in DICER1 are known to be pathogenic (PMID: 19556464, 21266384). This variant is not present in population databases (gnomAD no frequency). Disruption of this splice site has been observed in individual(s) with clinical features of DICER1 syndrome (PMID: 31278746). ClinVar contains an entry for this variant (Variation ID: 1066426). Algorithms developed to predict the effect of sequence changes on RNA splicing suggest that this variant may disrupt the consensus splice site. In summary, the currently available evidence indicates that the variant is pathogenic, but additional data are needed to prove that conclusively. Therefore, this variant has been classified as Likely Pathogenic.

Literature cited by the submitters: PubMed 16199547; PubMed 19556464; PubMed 21266384; PubMed 31278746.

NM_177438.3(DICER1):c.574-1G>A

Gene: DICER1 (dicer 1, ribonuclease III; minus strand). Cytogenetic location: 14q32.13.
Variant type: single nucleotide variant.
Coding change: c.574-1G>A on transcript NM_177438.3 (MANE Select); the canonical splice acceptor site of the intron before coding-DNA position 574, G replaced by A.
Molecular consequence: splice acceptor variant.
Genome position (GRCh38, 1-based): chr14:95,129,633, C>T on the plus strand (G>A on the coding strand, the complement: DICER1 is on the minus strand). VCF-style: chr14-95129633-C-T. GRCh37 (hg19) VCF-style: chr14-95595970-C-T.
Other names: c.574-1G>A (NM_001395693.1, NM_001395695.1, NM_001395692.1 and 14 more transcripts); c.169-1G>A (NM_001395698.1, NM_001395690.1, NM_001395687.1 and 3 more transcripts); c.292-1G>A (NM_001395686.1); c.7-1G>A (NM_001395691.1); c.-995-1G>A (NM_001395697.1).
Identifiers: ClinVar variation 1066426 (VCV001066426.12), dbSNP rs2140261649, ClinGen allele CA390888314.
Genomic context (GRCh38, chr14:95,129,633, plus strand): 5'-ATTTAAAATGGAAGCAGTTAGTCCCAAAATGCGAGGACATGATGGACAATTTTCACAGAG[C>T]TAACATAATAAAAGATACTGACAGTAAAGACTTCATTTTGCAAGGCTATAACAAGAGAGA-3'